The following is an entry in ClinVar:

ClinVar aggregate classification (germline): Uncertain significance (1 of 4 stars; one submission).

Conditions:
Cardiovascular phenotype. Identifiers: MedGen CN230736.

Submission:

Ambry Genetics
Classification: Uncertain significance for Cardiovascular phenotype. Last evaluated: 2025-08-20. Review status: criteria provided, single submitter. Criteria: Ambry Variant Classification Scheme 2023. Collection method: clinical testing. Allele origin: germline.
Comment: The p.D322G variant (also known as c.965A>G), located in coding exon 7 of the TBX20 gene, results from an A to G substitution at nucleotide position 965. The aspartic acid at codon 322 is replaced by glycine, an amino acid with similar properties. This amino acid position is conserved. In addition, the in silico prediction for this alteration is inconclusive. Based on the available evidence, the clinical significance of this variant remains unclear.

NM_001077653.2(TBX20):c.965A>G (p.Asp322Gly)

Gene: TBX20 (T-box transcription factor 20; minus strand). Cytogenetic location: 7p14.2.
Variant type: single nucleotide variant.
Coding change: c.965A>G on transcript NM_001077653.2 (MANE Select); coding-DNA position 965, A replaced by G.
Protein change: p.Asp322Gly; replaces aspartic acid 322 with glycine.
Molecular consequence: missense variant.
Genome position (GRCh38, 1-based): chr7:35,204,508, T>C on the plus strand (A>G on the coding strand, the complement: TBX20 is on the minus strand). VCF-style: chr7-35204508-T-C. GRCh37 (hg19) VCF-style: chr7-35244120-T-C.
Other names: short protein forms D322G.
Identifiers: ClinVar variation 4181266 (VCV004181266.1).